The following is an entry in ClinVar:

NM_007126.5(VCP):c.665T>G (p.Leu222Arg)

Gene: VCP (valosin containing protein; minus strand). Cytogenetic location: 9p13.3.
Variant type: single nucleotide variant.
Coding change: c.665T>G on transcript NM_007126.5 (MANE Select); coding-DNA position 665, T replaced by G.
Protein change: p.Leu222Arg; replaces leucine 222 with arginine.
Molecular consequence: missense variant.
Genome position (GRCh38, 1-based): chr9:35,064,197, A>C on the plus strand (T>G on the coding strand, the complement: VCP is on the minus strand). VCF-style: chr9-35064197-A-C. GRCh37 (hg19) VCF-style: chr9-35064194-A-C.
Other names: c.530T>G, p.Leu177Arg (NM_001354927.2, NM_001354928.2); short protein forms L177R, L222R.
Identifiers: ClinVar variation 3755011 (VCV003755011.2).

ClinVar aggregate classification (germline): Uncertain significance (1 of 4 stars; one submission).

Conditions:
Frontotemporal dementia and/or amyotrophic lateral sclerosis 6 (FTDALS6). Also called: VCP-Related Amyotrophic Lateral Sclerosis; VCP-Related Amyotrophic Lateral Sclerosis/Frontotemporal Dementia. Identifiers: Orphanet 275872, Orphanet 803, MedGen C5436279, MONDO:0013501, OMIM 613954.
Inclusion body myopathy with Paget disease of bone and frontotemporal dementia. Also called: Inclusion body myopathy with early-onset Paget disease and frontotemporal dementia. Identifiers: Orphanet 52430, MedGen C1833662, MONDO:0000507.

Submission:

Labcorp Genetics (formerly Invitae), Labcorp
Classification: Uncertain significance for Inclusion body myopathy with Paget disease of bone and frontotemporal dementia; Frontotemporal dementia and/or amyotrophic lateral sclerosis 6. Last evaluated: 2024-02-29. Review status: criteria provided, single submitter. Criteria: Invitae Variant Classification Sherloc (09022015). Collection method: clinical testing. Allele origin: germline.
Comment: This sequence change replaces leucine, which is neutral and non-polar, with arginine, which is basic and polar, at codon 222 of the VCP protein (p.Leu222Arg). This variant is not present in population databases (gnomAD no frequency). This variant has not been reported in the literature in individuals affected with VCP-related conditions. Advanced modeling of protein sequence and biophysical properties (such as structural, functional, and spatial information, amino acid conservation, physicochemical variation, residue mobility, and thermodynamic stability) performed at Invitae indicates that this missense variant is not expected to disrupt VCP protein function with a negative predictive value of 80%. In summary, the available evidence is currently insufficient to determine the role of this variant in disease. Therefore, it has been classified as a Variant of Uncertain Significance.